The following is an entry in ClinVar:

ClinVar aggregate classification (germline): Uncertain significance (1 of 4 stars; one submission).

Conditions:
Gorlin syndrome. Also called: Nevoid Basal Cell Carcinoma Syndrome; Basal cell nevus syndrome. Identifiers: Orphanet 377, MedGen C0004779, MONDO:0007187.

Submission:

Labcorp Genetics (formerly Invitae), Labcorp
Classification: Uncertain significance for Gorlin syndrome. Last evaluated: 2024-09-13. Review status: criteria provided, single submitter. Criteria: Invitae Variant Classification Sherloc (09022015). Collection method: clinical testing. Allele origin: germline.
Comment: This sequence change creates a premature translational stop signal (p.Gly1296Aspfs*76) in the PTCH1 gene. While this is not anticipated to result in nonsense mediated decay, it is expected to disrupt the last 152 amino acid(s) of the PTCH1 protein. This variant is not present in population databases (gnomAD no frequency). This variant has not been reported in the literature in individuals affected with PTCH1-related conditions. In summary, the available evidence is currently insufficient to determine the role of this variant in disease. Therefore, it has been classified as a Variant of Uncertain Significance.

NM_000264.5(PTCH1):c.3885del (p.Gly1296fs)

Gene: PTCH1 (patched 1; minus strand). Cytogenetic location: 9q22.32.
Variant type: Deletion.
Coding change: c.3885del on transcript NM_000264.5 (MANE Select); coding-DNA position 3885, one base deleted (C; older notation c.3885delC).
Protein change: p.Gly1296fs; shifts the reading frame from glycine 1296.
Molecular consequence: frameshift variant. On other transcripts: non-coding transcript variant (1).
Genome position (GRCh38, 1-based): chr9:95,447,371, G deleted on the plus strand (C on the coding strand, the reverse complement: PTCH1 is on the minus strand); the first of 3 consecutive G bases (chr9:95,447,371-95,447,373); deleting any one gives the same sequence. VCF-style (leftmost placement, unchanged base first): chr9-95447370-CG-C. GRCh37 (hg19) VCF-style: chr9-98209652-CG-C.
Other names: c.3687del, p.Gly1230fs (NM_001083602.3); c.3882del, p.Gly1295fs (NM_001083603.3); c.3432del, p.Gly1145fs (NM_001083604.3, NM_001083605.3, NM_001083606.3 and 1 more transcripts); c.3729del, p.Gly1244fs (NM_001354918.2); short protein forms G1145fs, G1230fs, G1244fs, G1295fs, G1296fs.
Identifiers: ClinVar variation 2850590 (VCV002850590.3), dbSNP rs2538002478, ClinGen allele CA2739269410.